The following is an entry in ClinVar:

NM_018062.4(FANCL):c.692-1081_692-1079del

Gene: FANCL (FA complementation group L; minus strand). Cytogenetic location: 2p16.1.
Variant type: Microsatellite.
Coding change: c.692-1081_692-1079del on transcript NM_018062.4 (MANE Select); 1081 bases into the intron before coding-DNA position 692 through 1079 bases into the intron before coding-DNA position 692, 3 bases deleted (CTT; older notation c.692-1081_692-1079delCTT).
Molecular consequence: intron variant.
Genome position (GRCh38, 1-based): chr2:58,164,596-58,164,598, AAG deleted on the plus strand (CTT on the coding strand, the reverse complement: FANCL is on the minus strand); deleting any 3 consecutive bases within chr2:58,164,596-58,164,601 gives the same sequence; the c. name uses the placement nearest the transcript's 3' end. VCF-style (leftmost placement, unchanged base first): chr2-58164595-AAAG-A. GRCh37 (hg19) VCF-style: chr2-58391730-AAAG-A.
Other names: c.737-1081_737-1079del (NM_001374615.1); c.707-1081_707-1079del (NM_001114636.2); c.752-1081_752-1079del (NM_001410792.1).
Identifiers: ClinVar variation 3905622 (VCV003905622.10).

ClinVar aggregate classification (germline): Benign (1 of 4 stars; one submission).

Submission:

CeGaT Center for Human Genetics Tuebingen
Classification: Benign. Last evaluated: 2025-06-01. Review status: criteria provided, single submitter. Criteria: CeGaT Center For Human Genetics Tuebingen Variant Classification Criteria Version 2. Collection method: clinical testing. Allele origin: germline. Affected: yes. Observed: 1 variant allele.
Comment: FANCL: PM4:Supporting, BS1, BS2